The following is an entry in ClinVar:

NM_152618.3(BBS12):c.80del (p.Arg27fs)

Gene: BBS12 (Bardet-Biedl syndrome 12; plus strand). Cytogenetic location: 4q27.
Variant type: Deletion.
Coding change: c.80del on transcript NM_152618.3 (MANE Select); coding-DNA position 80, one base deleted (G; older notation c.80delG).
Protein change: p.Arg27fs; shifts the reading frame from arginine 27.
Molecular consequence: frameshift variant.
Genome position (GRCh38, 1-based): chr4:122,741,972, G deleted. VCF-style (leftmost placement, unchanged base first): chr4-122741971-AG-A. GRCh37 (hg19) VCF-style: chr4-123663126-AG-A.
Other names: c.80del, p.Arg27fs (NM_001178007.2); short protein forms R27fs.
Identifiers: ClinVar variation 2772025 (VCV002772025.3), dbSNP rs2485071633, ClinGen allele CA2697546893.

ClinVar aggregate classification (germline): Pathogenic (1 of 4 stars; one submission).

Conditions:
Bardet-Biedl syndrome (BBS). Identifiers: Orphanet 110, MedGen C0752166, MONDO:0015229.

Submission:

Labcorp Genetics (formerly Invitae), Labcorp
Classification: Pathogenic for Bardet-Biedl syndrome. Last evaluated: 2023-10-27. Review status: criteria provided, single submitter. Criteria: Invitae Variant Classification Sherloc (09022015). Collection method: clinical testing. Allele origin: germline.
Comment: This sequence change creates a premature translational stop signal (p.Arg27Lysfs*4) in the BBS12 gene. While this is not anticipated to result in nonsense mediated decay, it is expected to disrupt the last 684 amino acid(s) of the BBS12 protein. This variant is not present in population databases (gnomAD no frequency). This variant has not been reported in the literature in individuals affected with BBS12-related conditions. This variant disrupts a region of the BBS12 protein in which other variant(s) (p.Asn700Ilefs*5) have been determined to be pathogenic (Invitae). This suggests that this is a clinically significant region of the protein, and that variants that disrupt it are likely to be disease-causing. For these reasons, this variant has been classified as Pathogenic.